The following is an entry in ClinVar:

ClinVar aggregate classification (germline): Likely benign. Review status: criteria provided, multiple submitters, no conflicts (2 of 4 stars). 2 submissions from 2 submitters: Likely benign (2). Last evaluated 2022-11-01.

Conditions:
Intellectual developmental disorder, X-linked 1. Also called: MENTAL RETARDATION, X-LINKED 18; MENTAL RETARDATION, X-LINKED 78; Intellectual disability, X-linked 1; Atkin Flaitz Patil Smith syndrome. Identifiers: Orphanet 777, MedGen C2931498, MONDO:0010656, OMIM 309530.

Allele frequency attached by ClinVar (database versions not stated): gnomAD exomes 0.00001 and 0.00003.
gnomAD v4.1: 29 of 1,191,856 alleles (0.0024%); highest among the groups gnomAD compares: Non-Finnish European, 0.0032%; no homozygotes.

Submissions (2):

Labcorp Genetics (formerly Invitae), Labcorp
Classification: Likely benign for Intellectual developmental disorder, X-linked 1. Last evaluated: 2022-11-01. Review status: criteria provided, single submitter. Criteria: Invitae Variant Classification Sherloc (09022015). Collection method: clinical testing. Allele origin: germline.

GeneDx
Classification: Likely benign. Last evaluated: 2018-03-07. Review status: criteria provided, single submitter. Criteria: GeneDx Variant Classification (06012015). Collection method: clinical testing. Allele origin: germline. Affected: yes.
Comment: This variant is considered likely benign or benign based on one or more of the following criteria: it is a conservative change, it occurs at a poorly conserved position in the protein, it is predicted to be benign by multiple in silico algorithms, and/or has population frequency not consistent with disease.

NM_001111125.3(IQSEC2):c.1339G>A (p.Val447Ile)

Gene: IQSEC2 (IQ motif and Sec7 domain ArfGEF 2; minus strand). Cytogenetic location: Xp11.22.
Variant type: single nucleotide variant.
Coding change: c.1339G>A on transcript NM_001111125.3 (MANE Select); coding-DNA position 1339, G replaced by A.
Protein change: p.Val447Ile; replaces valine 447 with isoleucine.
Molecular consequence: missense variant.
Genome position (GRCh38, 1-based): chrX:53,254,592, C>T on the plus strand (G>A on the coding strand, the complement: IQSEC2 is on the minus strand). VCF-style: chrX-53254592-C-T. GRCh37 (hg19) VCF-style: chrX-53283774-C-T.
Other names: c.724G>A, p.Val242Ile (NM_015075.2); short protein forms V447I, V242I.
Identifiers: ClinVar variation 514828 (VCV000514828.12), dbSNP rs1556864546, ClinGen allele CA413167684.